The following is an entry in ClinVar:

ClinVar aggregate classification (germline): Uncertain significance (1 of 4 stars; one submission).

Conditions:
Ornithine aminotransferase deficiency (GACR). Also called: Ornithine ketoacid aminotransferase deficiency; Gyrate atrophy; Gyrate atrophy of choroid and retina; Girate atrophy of the retina; HYPERORNITHINEMIA WITH GYRATE ATROPHY OF CHOROID AND RETINA; OAT DEFICIENCY. Identifiers: Orphanet 414, MedGen C0018425, MONDO:0009796, OMIM 258870.

Allele frequency attached by ClinVar (database versions not stated): gnomAD exomes below 0.00001.
gnomAD v4.1: 1 of 1,613,238 alleles (0.000062%); highest among the groups gnomAD compares: Non-Finnish European, 0.000085%; no homozygotes.

Submission:

Labcorp Genetics (formerly Invitae), Labcorp
Classification: Uncertain significance for Ornithine aminotransferase deficiency. Last evaluated: 2022-01-19. Review status: criteria provided, single submitter. Criteria: Invitae Variant Classification Sherloc (09022015). Collection method: clinical testing. Allele origin: germline.
Comment: This sequence change replaces leucine, which is neutral and non-polar, with methionine, which is neutral and non-polar, at codon 312 of the OAT protein (p.Leu312Met). This variant is not present in population databases (gnomAD no frequency). This variant has not been reported in the literature in individuals affected with OAT-related conditions. Algorithms developed to predict the effect of missense changes on protein structure and function are either unavailable or do not agree on the potential impact of this missense change (SIFT: "Tolerated"; PolyPhen-2: "Possibly Damaging"; Align-GVGD: "Class C0"). In summary, the available evidence is currently insufficient to determine the role of this variant in disease. Therefore, it has been classified as a Variant of Uncertain Significance.

NM_000274.4(OAT):c.934C>A (p.Leu312Met)

Gene: OAT (ornithine aminotransferase; minus strand). Cytogenetic location: 10q26.13.
Variant type: single nucleotide variant.
Coding change: c.934C>A on transcript NM_000274.4 (MANE Select); coding-DNA position 934, C replaced by A.
Protein change: p.Leu312Met; replaces leucine 312 with methionine.
Molecular consequence: missense variant.
Genome position (GRCh38, 1-based): chr10:124,401,806, G>T on the plus strand (C>A on the coding strand, the complement: OAT is on the minus strand). VCF-style: chr10-124401806-G-T. GRCh37 (hg19) VCF-style: chr10-126090375-G-T.
Other names: c.520C>A, p.Leu174Met (NM_001171814.2); c.934C>A, p.Leu312Met (NM_001322965.2, NM_001322966.2, NM_001322967.2 and 3 more transcripts); c.613C>A, p.Leu205Met (NM_001322971.2); c.334C>A, p.Leu112Met (NM_001322974.2); short protein forms L174M, L205M, L312M, L112M.
Identifiers: ClinVar variation 1990865 (VCV001990865.1), dbSNP rs2494450617, ClinGen allele CA378634124.